The following is an entry in ClinVar:

ClinVar aggregate classification (germline): Conflicting classifications of pathogenicity. Review status: criteria provided, conflicting classifications (1 of 4 stars). 2 submissions from 2 submitters: Uncertain significance (1); Likely benign (1). Last evaluated 2025-01-27.

Allele frequency attached by ClinVar (database versions not stated): ExAC 0.00004; gnomAD 0.00005; gnomAD exomes 0.00005; TOPMed 0.00006.

Submissions (2):

Ambry Genetics
Classification: Uncertain significance. Last evaluated: 2025-01-27. Review status: criteria provided, single submitter. Criteria: Ambry Variant Classification Scheme 2023. Collection method: clinical testing. Allele origin: germline.

CeGaT Center for Human Genetics Tuebingen
Classification: Likely benign. Last evaluated: 2022-11-01. Review status: criteria provided, single submitter. Criteria: CeGaT Center For Human Genetics Tuebingen Variant Classification Criteria Version 2. Collection method: clinical testing. Allele origin: germline. Affected: yes. Observed: 1 variant allele.
Comment: NXF5: BP4, BS2

NR_028089.1(NXF5):n.692A>G

Gene: NXF5 (nuclear RNA export factor 5; minus strand). Cytogenetic location: Xq22.1.
Variant type: single nucleotide variant.
Molecular consequence: non-coding transcript variant (on NR_028089.1).
Genome position: GRCh38 VCF-style: chrX-101841320-T-C. GRCh37 (hg19) VCF-style: chrX-101096292-T-C.
Other names: NM_032946.2:c.332A>G.
Identifiers: ClinVar variation 2661072 (VCV002661072.25), dbSNP rs747073806, ClinGen allele CA10474649.
Genomic context (GRCh38, chrX:101,841,320, plus strand): 5'-CCTGGGTCAAAGCGGAGATTCTGGAGATCAAGAGCTTGCTGGGAGACATTGTACCGTTTG[T>C]TCATGGTCAGCTGCAGAGATAGAGATGAAGACAGAGGCTCTGGGGCTCTGGTGATGGTGG-3'